The following is an entry in ClinVar:

ClinVar aggregate classification (germline): Uncertain significance (1 of 4 stars; one submission).

Conditions:
Hereditary cancer-predisposing syndrome. Also called: Hereditary Cancer Syndrome; Hereditary neoplastic syndrome; Tumor predisposition; Neoplastic Syndromes, Hereditary. Identifiers: Orphanet 140162, MedGen C0027672, MeSH D009386, MONDO:0015356.

Submission:

Ambry Genetics
Classification: Uncertain significance for Hereditary cancer-predisposing syndrome. Last evaluated: 2021-12-10. Review status: criteria provided, single submitter. Criteria: Ambry Variant Classification Scheme 2023. Collection method: clinical testing. Allele origin: germline.
Comment: The p.M806L variant (also known as c.2416A>C), located in coding exon 16 of the PDGFRA gene, results from an A to C substitution at nucleotide position 2416. The methionine at codon 806 is replaced by leucine, an amino acid with highly similar properties. This amino acid position is conserved. In addition, the in silico prediction for this alteration is inconclusive. Since supporting evidence is limited at this time, the clinical significance of this alteration remains unclear.

NM_006206.6(PDGFRA):c.2416A>C (p.Met806Leu)

Gene: PDGFRA (platelet derived growth factor receptor alpha; plus strand). Cytogenetic location: 4q12.
Variant type: single nucleotide variant.
Coding change: c.2416A>C on transcript NM_006206.6 (MANE Select); coding-DNA position 2416, A replaced by C.
Protein change: p.Met806Leu; replaces methionine 806 with leucine.
Molecular consequence: missense variant.
Genome position (GRCh38, 1-based): chr4:54,285,463, A>C. VCF-style: chr4-54285463-A-C. GRCh37 (hg19) VCF-style: chr4-55151630-A-C.
Other names: c.2491A>C, p.Met831Leu (NM_001347828.2); c.2416A>C, p.Met806Leu (NM_001347829.2); c.2455A>C, p.Met819Leu (NM_001347830.2); short protein forms M819L, M806L, M831L.
Identifiers: ClinVar variation 1790938 (VCV001790938.2), dbSNP rs2475546213, ClinGen allele CA356894778.